The following is an entry in ClinVar:

NM_007194.4(CHEK2):c.466T>C (p.Tyr156His)

Gene: CHEK2 (checkpoint kinase 2; minus strand). Cytogenetic location: 22q12.1.
Variant type: single nucleotide variant.
Coding change: c.466T>C on transcript NM_007194.4 (MANE Select); coding-DNA position 466, T replaced by C.
Protein change: p.Tyr156His; replaces tyrosine 156 with histidine.
Molecular consequence: missense variant. On other transcripts: 5 prime UTR variant (2), intron variant (1).
Genome position (GRCh38, 1-based): chr22:28,725,103, A>G on the plus strand (T>C on the coding strand, the complement: CHEK2 is on the minus strand). VCF-style: chr22-28725103-A-G. GRCh37 (hg19) VCF-style: chr22-29121091-A-G.
Other names: c.466T>C (NM_007194.3); c.595T>C, p.Tyr199His (NM_001005735.3, NM_001438294.1); c.-312T>C (NM_001257387.3); c.-198T>C (NM_001437942.1); c.559T>C, p.Tyr187His (NM_001438293.1, NM_001438295.1); c.466T>C, p.Tyr156His (NM_145862.3); c.444+140T>C (NM_001349956.3); short protein forms Y156H, Y199H, Y187H.
Identifiers: ClinVar variation 1021452 (VCV001021452.10), dbSNP rs2053948136, ClinGen allele CA411107680.
Genomic context (GRCh38, chr22:28,725,103, plus strand): 5'-CTACAAGCTCTGTATTTACAAAGGTTCCATTGCCACTGTGATCTTCTATGTATGCAATGT[A>G]AGAGTTTTTAGGACCCACTTCCTAAAATAGAGAACATTTTGTTTCAGACTTTGAATAGCA-3'
Protein context (NP_009125.1, residues 146-166): IFREVGPKNS[Tyr156His]IAYIEDHSGN

ClinVar aggregate classification (germline): Uncertain significance. Review status: criteria provided, multiple submitters, no conflicts (2 of 4 stars). 2 submissions from 2 submitters: Uncertain significance (2). Last evaluated 2025-12-29.

Conditions:
Hereditary cancer-predisposing syndrome. Also called: Hereditary Cancer Syndrome; Neoplastic Syndromes, Hereditary; Tumor predisposition; Hereditary neoplastic syndrome. Identifiers: Orphanet 140162, MedGen C0027672, MeSH D009386, MONDO:0015356.
Familial cancer of breast. Also called: BREAST CANCER, FAMILIAL; hereditary breast carcinoma; Hereditary breast cancer. Identifiers: Orphanet 227535, MedGen C0346153, MONDO:0016419, OMIM 114480. Disease mechanism: loss of function.

Allele frequency attached by ClinVar (database versions not stated): gnomAD exomes below 0.00001.
gnomAD v4.1: 1 of 1,614,146 alleles (0.000062%); highest among the groups gnomAD compares: Middle Eastern, 0.016%; no homozygotes.

Submissions (2):

Ambry Genetics
Classification: Uncertain significance for Hereditary cancer-predisposing syndrome. Last evaluated: 2025-12-29. Review status: criteria provided, single submitter. Criteria: Ambry Variant Classification Scheme 2023. Collection method: clinical testing. Allele origin: germline.
Comment: The p.Y156H variant (also known as c.466T>C), located in coding exon 3 of the CHEK2 gene, results from a T to C substitution at nucleotide position 466. The tyrosine at codon 156 is replaced by histidine, an amino acid with similar properties. This amino acid position is well conserved in available vertebrate species. In addition, the in silico prediction for this alteration is inconclusive. Based on the available evidence, the clinical significance of this variant remains unclear.

Labcorp Genetics (formerly Invitae), Labcorp
Classification: Uncertain significance for Familial cancer of breast. Last evaluated: 2025-03-13. Review status: criteria provided, single submitter. Criteria: Invitae Variant Classification Sherloc (09022015). Collection method: clinical testing. Allele origin: germline.
Comment: This sequence change replaces tyrosine, which is neutral and polar, with histidine, which is basic and polar, at codon 156 of the CHEK2 protein (p.Tyr156His). This variant is not present in population databases (gnomAD no frequency). This variant has not been reported in the literature in individuals affected with CHEK2-related conditions. ClinVar contains an entry for this variant (Variation ID: 1021452). An algorithm developed to predict the effect of missense changes on protein structure and function outputs the following: PolyPhen-2: "Benign". The histidine amino acid residue is found in multiple mammalian species, which suggests that this missense change does not adversely affect protein function. In summary, the available evidence is currently insufficient to determine the role of this variant in disease. Therefore, it has been classified as a Variant of Uncertain Significance.